The following is an entry in ClinVar:

NM_005876.5(SPEG):c.2025G>C (p.Glu675Asp)

Gene: SPEG (striated muscle enriched protein kinase; plus strand). Cytogenetic location: 2q35.
Variant type: single nucleotide variant.
Coding change: c.2025G>C on transcript NM_005876.5 (MANE Select); coding-DNA position 2025, G replaced by C.
Protein change: p.Glu675Asp; replaces glutamic acid 675 with aspartic acid.
Molecular consequence: missense variant.
Genome position (GRCh38, 1-based): chr2:219,449,183, G>C. VCF-style: chr2-219449183-G-C. GRCh37 (hg19) VCF-style: chr2-220313905-G-C.
Other names: c.2025G>C (NM_005876.4); short protein forms E675D.
Identifiers: ClinVar variation 1450381 (VCV001450381.4), dbSNP rs767806642, ClinGen allele CA2125743.

ClinVar aggregate classification (germline): Uncertain significance. Review status: criteria provided, multiple submitters, no conflicts (2 of 4 stars). 2 submissions from 2 submitters: Uncertain significance (2). Last evaluated 2026-05-20.

Conditions:
Inborn genetic diseases. Identifiers: MedGen C0950123, MeSH D030342.

Allele frequency attached by ClinVar (database versions not stated): TOPMed 0.00003; gnomAD exomes 0.00005; gnomAD 0.00003.
gnomAD v4.1: 63 of 1,395,636 alleles (0.0045%); highest among the groups gnomAD compares: Non-Finnish European, 0.0047%; no homozygotes.

Submissions (2):

Ambry Genetics
Classification: Uncertain significance for Inborn genetic diseases. Last evaluated: 2026-05-20. Review status: criteria provided, single submitter. Criteria: Ambry Variant Classification Scheme 2023. Collection method: clinical testing. Allele origin: germline.

Labcorp Genetics (formerly Invitae), Labcorp
Classification: Uncertain significance. Last evaluated: 2022-01-28. Review status: criteria provided, single submitter. Criteria: Invitae Variant Classification Sherloc (09022015). Collection method: clinical testing. Allele origin: germline.
Comment: This sequence change replaces glutamic acid, which is acidic and polar, with aspartic acid, which is acidic and polar, at codon 675 of the SPEG protein (p.Glu675Asp). This variant is present in population databases (rs767806642, gnomAD 0.007%). This variant has not been reported in the literature in individuals affected with SPEG-related conditions. Algorithms developed to predict the effect of missense changes on protein structure and function are either unavailable or do not agree on the potential impact of this missense change (SIFT: "Deleterious"; PolyPhen-2: "Benign"; Align-GVGD: "Class C0"). In summary, the available evidence is currently insufficient to determine the role of this variant in disease. Therefore, it has been classified as a Variant of Uncertain Significance.